The following is an entry in ClinVar:

ClinVar aggregate classification (germline): Likely benign. Review status: criteria provided, multiple submitters, no conflicts (2 of 4 stars). 3 submissions from 3 submitters: Likely benign (3). Last evaluated 2025-11-13.

Conditions:
TBX1-related disorder. Also called: TBX1-Related Disorders; TBX1-related condition.
Cardiovascular phenotype. Identifiers: MedGen CN230736.
DiGeorge syndrome. Also called: Catch22; THIRD AND FOURTH PHARYNGEAL POUCH SYNDROME. Identifiers: Orphanet 567, MedGen C0012236, MONDO:0008564, OMIM 188400.

Allele frequency attached by ClinVar (database versions not stated): TOPMed below 0.00001; gnomAD exomes 0.00001; gnomAD 0.00002.
gnomAD v4.1: 24 of 1,613,134 alleles (0.0015%); highest among the groups gnomAD compares: Admixed American, 0.012%; no homozygotes.

Submissions (3):

PreventionGenetics, part of Exact Sciences
Classification: Likely benign for TBX1-related condition. Last evaluated: 2025-11-13. Review status: criteria provided, single submitter. Criteria: ACMG Guidelines, 2015. Collection method: clinical testing. Allele origin: germline.
Comment: This variant is classified as likely benign based on ACMG/AMP sequence variant interpretation guidelines (Richards et al. 2015 PMID: 25741868, with internal and published modifications).

Labcorp Genetics (formerly Invitae), Labcorp
Classification: Likely benign for DiGeorge syndrome. Last evaluated: 2025-08-18. Review status: criteria provided, single submitter. Criteria: Invitae Variant Classification Sherloc (09022015). Collection method: clinical testing. Allele origin: germline.

Ambry Genetics
Classification: Likely benign for Cardiovascular phenotype. Last evaluated: 2019-09-16. Review status: criteria provided, single submitter. Criteria: Ambry Variant Classification Scheme 2023. Collection method: clinical testing. Allele origin: germline.

NM_001379200.1(TBX1):c.618G>A (p.Pro206=)

Gene: TBX1 (T-box transcription factor 1; plus strand). Cytogenetic location: 22q11.21.
Variant type: single nucleotide variant.
Coding change: c.618G>A on transcript NM_001379200.1 (MANE Select); coding-DNA position 618, G replaced by A.
Protein change: p.Pro206=; no amino-acid change (proline 206 retained).
Molecular consequence: synonymous variant.
Genome position (GRCh38, 1-based): chr22:19,764,233, G>A. VCF-style: chr22-19764233-G-A. GRCh37 (hg19) VCF-style: chr22-19751756-G-A.
Other names: c.591G>A, p.Pro197= (NM_005992.1, NM_080646.2, NM_080647.1).
Identifiers: ClinVar variation 960743 (VCV000960743.12), dbSNP rs1177792242, ClinGen allele CA513361203.